The following is an entry in ClinVar:

ClinVar aggregate classification (germline): Uncertain significance. Review status: criteria provided, multiple submitters, no conflicts (2 of 4 stars). 3 submissions from 3 submitters: Uncertain significance (3). Last evaluated 2024-08-26.

Conditions:
Hennekam lymphangiectasia-lymphedema syndrome 1 (HKLLS1). Also called: LYMPHATIC DYSPLASIA, GENERALIZED. Identifiers: Orphanet 2136, MedGen C4012050, MONDO:0009337, OMIM 235510.
Inborn genetic diseases. Identifiers: MedGen C0950123, MeSH D030342.

Allele frequency attached by ClinVar (database versions not stated): gnomAD exomes 0.00015; ExAC 0.00019; gnomAD 0.00002.
gnomAD v4.1: 47 of 1,613,980 alleles (0.0029%); highest among the groups gnomAD compares: Admixed American, 0.078%; no homozygotes.

Submissions (3):

Ambry Genetics
Classification: Uncertain significance for Inborn genetic diseases. Last evaluated: 2024-08-26. Review status: criteria provided, single submitter. Criteria: Ambry Variant Classification Scheme 2023. Collection method: clinical testing. Allele origin: germline.

Labcorp Genetics (formerly Invitae), Labcorp
Classification: Uncertain significance. Last evaluated: 2022-08-23. Review status: criteria provided, single submitter. Criteria: Invitae Variant Classification Sherloc (09022015). Collection method: clinical testing. Allele origin: germline.
Comment: This sequence change replaces leucine, which is neutral and non-polar, with phenylalanine, which is neutral and non-polar, at codon 222 of the CCBE1 protein (p.Leu222Phe). This variant is present in population databases (rs770685560, gnomAD 0.1%). This variant has not been reported in the literature in individuals affected with CCBE1-related conditions. ClinVar contains an entry for this variant (Variation ID: 1383536). Algorithms developed to predict the effect of missense changes on protein structure and function are either unavailable or do not agree on the potential impact of this missense change (SIFT: "Tolerated"; PolyPhen-2: "Probably Damaging"; Align-GVGD: "Class C0"). In summary, the available evidence is currently insufficient to determine the role of this variant in disease. Therefore, it has been classified as a Variant of Uncertain Significance.

Center for Genomics, Ann and Robert H. Lurie Children's Hospital of Chicago
Classification: Uncertain significance for Hennekam lymphangiectasia-lymphedema syndrome 1. Last evaluated: 2022-02-08. Review status: criteria provided, single submitter. Criteria: ACMG Guidelines, 2015. Collection method: clinical testing. Allele origin: germline.
Comment: This variant has not been reported in the literature but is present in 0.01% (3/15272) of Latino alleles in the Genome Aggregation Database. Evolutionary conservation suggests that this variant may impact the protein; computational predictive tools suggest that this variant may not impact the protein. In summary, data on this variant is insufficient for disease classification. Therefore, the clinical significance of this variant is uncertain.

NM_133459.4(CCBE1):c.664C>T (p.Leu222Phe)

Gene: CCBE1 (collagen and calcium binding EGF domains 1; minus strand). Cytogenetic location: 18q21.32.
Variant type: single nucleotide variant.
Coding change: c.664C>T on transcript NM_133459.4 (MANE Select); coding-DNA position 664, C replaced by T.
Protein change: p.Leu222Phe; replaces leucine 222 with phenylalanine.
Molecular consequence: missense variant.
Genome position (GRCh38, 1-based): chr18:59,448,094, G>A on the plus strand (C>T on the coding strand, the complement: CCBE1 is on the minus strand). VCF-style: chr18-59448094-G-A. GRCh37 (hg19) VCF-style: chr18-57115326-G-A.
Other names: c.664C>T (NM_133459.3); short protein forms L222F.
Identifiers: ClinVar variation 1383536 (VCV001383536.5), dbSNP rs770685560, ClinGen allele CA8980366.